The following is an entry in ClinVar:

NM_001035.3(RYR2):c.13425G>T (p.Val4475=)

Gene: RYR2 (ryanodine receptor 2; plus strand). Cytogenetic location: 1q43.
Variant type: single nucleotide variant.
Coding change: c.13425G>T on transcript NM_001035.3 (MANE Select); coding-DNA position 13425, G replaced by T.
Protein change: p.Val4475=; no amino-acid change (valine 4475 retained).
Molecular consequence: synonymous variant.
Genome position (GRCh38, 1-based): chr1:237,788,084, G>T. VCF-style: chr1-237788084-G-T. GRCh37 (hg19) VCF-style: chr1-237951384-G-T.
Other names: c.13425G>T (NM_001035.2).
Identifiers: ClinVar variation 921426 (VCV000921426.38), dbSNP rs760691911, ClinGen allele CA085369.

ClinVar aggregate classification (germline): Likely benign. Review status: criteria provided, multiple submitters, no conflicts (2 of 4 stars). 6 submissions from 6 submitters: Likely benign (6). Last evaluated 2026-06-09.

Conditions:
Catecholaminergic polymorphic ventricular tachycardia 1. Also called: RYR2-Related Catecholaminergic Polymorphic Ventricular Tachycardia; VENTRICULAR TACHYCARDIA, STRESS-INDUCED POLYMORPHIC 1; VENTRICULAR TACHYCARDIA, CATECHOLAMINERGIC POLYMORPHIC, 1, WITH OR WITHOUT ATRIAL DYSFUNCTION AND/OR DILATED CARDIOMYOPATHY. Identifiers: Orphanet 3286, MedGen C1631597, MONDO:0011484, OMIM 604772.
Catecholaminergic polymorphic ventricular tachycardia (CVPT). Also called: Catecholamine-induced polymorphic ventricular tachycardia. Identifiers: Orphanet 3286, MedGen C5574922, MONDO:0017990.
Cardiomyopathy (CMYO). Also called: Cardiomyopathies. Identifiers: Orphanet 167848, MedGen C0878544, MONDO:0004994, HP:0001638. Inheritance: Various modes of inheritance.
Cardiovascular phenotype. Identifiers: MedGen CN230736.

Allele frequency attached by ClinVar (database versions not stated): ExAC 0.00001; gnomAD exomes 0.00001; TOPMed 0.00001.
gnomAD v4.1: 28 of 1,612,168 alleles (0.0017%); highest among the groups gnomAD compares: Admixed American, 0.0017%; no homozygotes.

Submissions (6):

Ambry Genetics
Classification: Likely benign for Cardiovascular phenotype. Last evaluated: 2026-06-09. Review status: criteria provided, single submitter. Criteria: Ambry Variant Classification Scheme 2023. Collection method: clinical testing. Allele origin: germline.

Blueprint Genetics
Classification: Likely benign. Last evaluated: 2024-03-26. Review status: criteria provided, single submitter. Criteria: ACMG Guidelines, 2015. Collection method: clinical testing. Allele origin: germline.

All of Us Research Program, National Institutes of Health
Classification: Likely benign for Catecholaminergic polymorphic ventricular tachycardia. Last evaluated: 2024-01-11. Review status: criteria provided, single submitter. Criteria: ACMG Guidelines, 2015. Collection method: clinical testing. Allele origin: germline. Inheritance: Autosomal dominant inheritance. Observed: 3 variant alleles, 3 heterozygotes.
Comment: This study involves interpretation of variants in research participants for the purpose of population health screening. Participant phenotype was not available at the time of variant classification. Additional details can be found in publication PMID: 35346344, PMCID: PMC8962531

Labcorp Genetics (formerly Invitae), Labcorp
Classification: Likely benign for Catecholaminergic polymorphic ventricular tachycardia 1. Last evaluated: 2023-10-18. Review status: criteria provided, single submitter. Criteria: Invitae Variant Classification Sherloc (09022015). Collection method: clinical testing. Allele origin: germline.

CeGaT Center for Human Genetics Tuebingen
Classification: Likely benign. Last evaluated: 2023-03-01. Review status: criteria provided, single submitter. Criteria: CeGaT Center For Human Genetics Tuebingen Variant Classification Criteria Version 2. Collection method: clinical testing. Allele origin: germline. Affected: yes. Observed: 1 variant allele.
Comment: RYR2: BP4, BP7

Color Diagnostics, LLC DBA Color Health
Classification: Likely benign for Cardiomyopathy. Last evaluated: 2019-04-20. Review status: criteria provided, single submitter. Criteria: ACMG Guidelines, 2015. Collection method: clinical testing. Allele origin: germline.